The following is an entry in ClinVar:

NM_000372.5(TYR):c.1366+1del

Gene: TYR (tyrosinase; plus strand). Cytogenetic location: 11q14.3.
Variant type: Deletion.
Coding change: c.1366+1del on transcript NM_000372.5 (MANE Select); the canonical splice donor site of the intron after coding-DNA position 1366, one base deleted (G; older notation c.1366+1delG).
Molecular consequence: splice donor variant.
Genome position (GRCh38, 1-based): chr11:89,284,955, G deleted; the last of 2 consecutive G bases (chr11:89,284,954-89,284,955); deleting either gives the same sequence. VCF-style (leftmost placement, unchanged base first): chr11-89284953-AG-A. GRCh37 (hg19) VCF-style: chr11-89018121-AG-A.
Identifiers: ClinVar variation 5019700 (VCV005019700.1).

ClinVar aggregate classification (germline): Pathogenic (1 of 4 stars; one submission).

Conditions:
SKIN/HAIR/EYE PIGMENTATION 3, LIGHT/DARK SKIN (SHEP3). Also called: SKIN/HAIR/EYE PIGMENTATION 3, BLUE/GREEN EYE COLOR; SKIN/HAIR/EYE PIGMENTATION 3, FRECKLING; SKIN/HAIR/EYE PIGMENTATION, VARIATION IN, 3; EYE COLOR 1; EYE COLOR, GREEN/BLUE. Identifiers: MedGen C2677190, OMIM 601800.
Oculocutaneous albinism type 1A (OCA1A). Also called: Albinism, oculocutaneous, type IA. Identifiers: Orphanet 352731, Orphanet 79431, MedGen C4551504, MONDO:0008745, OMIM 203100. Disease mechanism: loss of function.
Oculocutaneous albinism type 1B (OCA1B). Also called: ALBINISM, OCULOCUTANEOUS, TYPE IB; ALBINISM, YELLOW MUTANT TYPE; YELLOW ALBINISM. Identifiers: Orphanet 352731, Orphanet 352737, Orphanet 79434, MedGen C1847024, MONDO:0011749, OMIM 606952.

Submission:

Juno Genomics, Hangzhou Juno Genomics, Inc
Classification: Pathogenic for SKIN/HAIR/EYE PIGMENTATION 3, LIGHT/DARK SKIN; Oculocutaneous albinism type 1A; Oculocutaneous albinism type 1B. Review status: criteria provided, single submitter. Criteria: ACMG Guidelines, 2015. Collection method: clinical testing. Allele origin: germline. Affected: yes.
Comment: Absent from controls (or at extremely low frequency if recessive) in Genome Aggregation Database.;Null variant in a gene where loss of function (LOF) is a known mechanism of disease.;For recessive disorders, detected in trans with a pathogenic variant.;Patient's phenotype or family history is highly specific for a disease with a single genetic etiology.